The following is an entry in ClinVar:

ClinVar aggregate classification (germline): Uncertain significance (1 of 4 stars; one submission).

Conditions:
Primary ciliary dyskinesia. Also called: Ciliary dyskinesia. Identifiers: Orphanet 244, MedGen C0008780, MONDO:0016575, HP:0012265.

Submission:

Labcorp Genetics (formerly Invitae), Labcorp
Classification: Uncertain significance for Primary ciliary dyskinesia. Last evaluated: 2026-01-14. Review status: criteria provided, single submitter. Criteria: Invitae Variant Classification Sherloc (09022015). Collection method: clinical testing. Allele origin: germline.
Comment: This sequence change replaces lysine, which is basic and polar, with arginine, which is basic and polar, at codon 927 of the DNAH8 protein (p.Lys927Arg). This variant is not present in population databases (gnomAD no frequency). This variant has not been reported in the literature in individuals affected with DNAH8-related conditions. Experimental studies and prediction algorithms are not available or were not evaluated, and the functional significance of this variant is currently unknown. Algorithms developed to predict the effect of sequence changes on RNA splicing suggest that this variant may disrupt the consensus splice site. In summary, the available evidence is currently insufficient to determine the role of this variant in disease. Therefore, it has been classified as a Variant of Uncertain Significance.

NM_001206927.2(DNAH8):c.2780A>G (p.Lys927Arg)

Gene: DNAH8 (dynein axonemal heavy chain 8; plus strand). Cytogenetic location: 6p21.2.
Variant type: single nucleotide variant.
Coding change: c.2780A>G on transcript NM_001206927.2 (MANE Select); coding-DNA position 2780, A replaced by G.
Protein change: p.Lys927Arg; replaces lysine 927 with arginine.
Molecular consequence: missense variant.
Genome position (GRCh38, 1-based): chr6:38,790,404, A>G. VCF-style: chr6-38790404-A-G. GRCh37 (hg19) VCF-style: chr6-38758180-A-G.
Other names: c.2129A>G, p.Lys710Arg (NM_001371.4); short protein forms K710R, K927R.
Identifiers: ClinVar variation 4733016 (VCV004733016.1).